The following is an entry in ClinVar:

NM_001276270.2(MBD4):c.151del (p.Glu51fs)

Gene: MBD4 (methyl-CpG binding domain 4, DNA glycosylase; minus strand). Cytogenetic location: 3q21.3.
Variant type: Deletion.
Coding change: c.151del on transcript NM_001276270.2 (MANE Select); coding-DNA position 151, one base deleted (G; older notation c.151delG).
Protein change: p.Glu51fs; shifts the reading frame from glutamic acid 51.
Molecular consequence: frameshift variant.
Genome position (GRCh38, 1-based): chr3:129,437,904, C deleted on the plus strand (G on the coding strand, the reverse complement: MBD4 is on the minus strand); the first of 2 consecutive C bases (chr3:129,437,904-129,437,905); deleting either gives the same sequence. VCF-style (leftmost placement, unchanged base first): chr3-129437903-TC-T. GRCh37 (hg19) VCF-style: chr3-129156746-TC-T.
Other names: c.151del, p.Glu51fs (NM_001276271.2, NM_001276272.2, NM_001276273.2 and 1 more transcripts); short protein forms E51fs.
Identifiers: ClinVar variation 4711958 (VCV004711958.1).

ClinVar aggregate classification (germline): Pathogenic (1 of 4 stars; one submission).

Submission:

Labcorp Genetics (formerly Invitae), Labcorp
Classification: Pathogenic. Last evaluated: 2025-01-28. Review status: criteria provided, single submitter. Criteria: Invitae Variant Classification Sherloc (09022015). Collection method: clinical testing. Allele origin: germline.
Comment: This sequence change creates a premature translational stop signal (p.Glu51Asnfs*3) in the MBD4 gene. It is expected to result in an absent or disrupted protein product. Loss-of-function variants in MBD4 are known to be pathogenic (PMID: 30049810, 35460607). This variant is not present in population databases (gnomAD no frequency). This variant has not been reported in the literature in individuals affected with MBD4-related conditions. For these reasons, this variant has been classified as Pathogenic.

Literature cited by the submitters: PubMed 30049810; PubMed 35460607.